The following is an entry in ClinVar:

ClinVar aggregate classification (germline): Uncertain significance (1 of 4 stars; one submission).

Conditions:
Renal cell carcinoma. Identifiers: Orphanet 217071, MedGen C0007134, MeSH D002292, MONDO:0005086, HP:0005584.

Submission:

Labcorp Genetics (formerly Invitae), Labcorp
Classification: Uncertain significance for Renal cell carcinoma. Last evaluated: 2025-01-23. Review status: criteria provided, single submitter. Criteria: Invitae Variant Classification Sherloc (09022015). Collection method: clinical testing. Allele origin: germline.
Comment: This sequence change affects codon 464 of the MET mRNA. It is a 'silent' change, meaning that it does not change the encoded amino acid sequence of the MET protein. This variant also falls at the last nucleotide of exon 3, which is part of the consensus splice site for this exon. This variant is not present in population databases (gnomAD no frequency). This variant has not been reported in the literature in individuals affected with MET-related conditions. Variants that disrupt the consensus splice site are a relatively common cause of aberrant splicing (PMID: 17576681, 9536098). Algorithms developed to predict the effect of sequence changes on RNA splicing suggest that this variant is not likely to affect RNA splicing. In summary, the available evidence is currently insufficient to determine the role of this variant in disease. Therefore, it has been classified as a Variant of Uncertain Significance.

Literature cited by the submitters: PubMed 17576681; PubMed 9536098.

NM_000245.4(MET):c.1392G>A (p.Gln464=)

Gene: MET (MET proto-oncogene, receptor tyrosine kinase; plus strand). Cytogenetic location: 7q31.2.
Variant type: single nucleotide variant.
Coding change: c.1392G>A on transcript NM_000245.4 (MANE Select); coding-DNA position 1392, G replaced by A.
Protein change: p.Gln464=; no amino-acid change (glutamine 464 retained).
Molecular consequence: synonymous variant.
Genome position (GRCh38, 1-based): chr7:116,731,859, G>A. VCF-style: chr7-116731859-G-A. GRCh37 (hg19) VCF-style: chr7-116371913-G-A.
Other names: c.1392G>A, p.Gln464= (NM_001127500.3, NM_001324401.3); c.102G>A, p.Gln34= (NM_001324402.2).
Identifiers: ClinVar variation 3669309 (VCV003669309.2).